The following is an entry in ClinVar:

NM_153240.5(NPHP3):c.394-10A>G

Genes: NPHP3 (nephrocystin 3; minus strand), NPHP3-ACAD11 (NPHP3-ACAD11 readthrough (NMD candidate); minus strand). Cytogenetic location: 3q22.1.
Variant type: single nucleotide variant.
Coding change: c.394-10A>G on transcript NM_153240.5 (MANE Select); 10 bases into the intron before coding-DNA position 394, A replaced by G.
Molecular consequence: intron variant.
Genome position (GRCh38, 1-based): chr3:132,719,840, T>C on the plus strand (A>G on the coding strand, the complement: NPHP3 is on the minus strand). VCF-style: chr3-132719840-T-C. GRCh37 (hg19) VCF-style: chr3-132438684-T-C.
Identifiers: ClinVar variation 4986375 (VCV004986375.1).

ClinVar aggregate classification (germline): Likely pathogenic (1 of 4 stars; one submission).

Conditions:
NPHP3-related disorder. Also called: NPHP3-related condition; NPHP3-related disorders. Identifiers: MedGen CN379163.

Submission:

PreventionGenetics, part of Exact Sciences
Classification: Likely pathogenic for NPHP3-related condition. Last evaluated: 2026-07-21. Review status: criteria provided, single submitter. Criteria: ACMG Guidelines, 2015. Collection method: clinical testing. Allele origin: germline.
Comment: The NPHP3 c.394-10A>G variant is predicted to interfere with splicing. This variant is predicted to significantly weaken the splice site based on available splicing prediction programs (Alamut Visual v2.11). This variant has been reported in the homozygous state in an individual with nephronophthisis (Table S1, Petzold et al. 2023. PubMed ID: 37230223). At PreventionGenetics, this variant has been observed in the compound heterozygous state with another NPHP3 variant in family members with NPHP3-related disorders, and these variants segregated with disease in the family. This variant is reported in 0.0063% of alleles in individuals of African descent in gnomAD. Taken together, this variant is interpreted as likely pathogenic.